The following is an entry in ClinVar:

NM_004380.3(CREBBP):c.510G>A (p.Gln170=)

Gene: CREBBP (CREB binding lysine acetyltransferase; minus strand). Cytogenetic location: 16p13.3.
Variant type: single nucleotide variant.
Coding change: c.510G>A on transcript NM_004380.3 (MANE Select); coding-DNA position 510, G replaced by A.
Protein change: p.Gln170=; no amino-acid change (glutamine 170 retained).
Molecular consequence: synonymous variant.
Genome position (GRCh38, 1-based): chr16:3,850,585, C>T on the plus strand (G>A on the coding strand, the complement: CREBBP is on the minus strand). VCF-style: chr16-3850585-C-T. GRCh37 (hg19) VCF-style: chr16-3900586-C-T.
Other names: c.510G>A, p.Gln170= (NM_001079846.1); c.510G>A (NM_004380.2).
Identifiers: ClinVar variation 2859553 (VCV002859553.4), dbSNP rs748802681, ClinGen allele CA493395136.

ClinVar aggregate classification (germline): Likely benign. Review status: criteria provided, single submitter (1 of 4 stars). 2 submissions from 2 submitters: Likely benign (1). 1 of the submissions does not count toward it. Last evaluated 2024-06-17.

Conditions:
CREBBP-related disorder. Also called: CREBBP-related disorders; CREBBP-related condition.
Rubinstein-Taybi syndrome (RSTS). Identifiers: Orphanet 783, MedGen C0035934, MONDO:0019188.

Allele frequency attached by ClinVar (database versions not stated): TOPMed 0.00002.
gnomAD v4.1: 1 of 1,614,252 alleles (0.000062%); highest among the groups gnomAD compares: Non-Finnish European, 0.000085%; no homozygotes.

Submissions (2):

Labcorp Genetics (formerly Invitae), Labcorp
Classification: Likely benign for Rubinstein-Taybi syndrome. Last evaluated: 2024-06-17. Review status: criteria provided, single submitter. Criteria: Invitae Variant Classification Sherloc (09022015). Collection method: clinical testing. Allele origin: germline.

PreventionGenetics, part of Exact Sciences
Classification: Likely benign for CREBBP-related condition. Last evaluated: 2024-09-11. Review status: no assertion criteria provided. Collection method: clinical testing. Allele origin: germline. Not counted in ClinVar's aggregate classification.
Comment: This variant is classified as likely benign based on ACMG/AMP sequence variant interpretation guidelines (Richards et al. 2015 PMID: 25741868, with internal and published modifications).